The following is an entry in ClinVar:

ClinVar aggregate classification (germline): Benign (1 of 4 stars; one submission).

Conditions:
Rhabdoid tumor predisposition syndrome 2 (RTPS2). Identifiers: Orphanet 231108, Orphanet 69077, MedGen C2750074, MONDO:0013224, OMIM 613325.

Submission:

Myriad Genetics, Inc.
Classification: Benign for Rhabdoid tumor predisposition syndrome 2. Last evaluated: 2026-07-09. Review status: criteria provided, single submitter. Criteria: Myriad Autosomal Dominant, Autosomal Recessive and X-Linked Classification Criteria (2023). Collection method: clinical testing. Allele origin: unknown.
Comment: This variant is considered benign. This variant is a silent/synonymous amino acid change and it is not expected to impact splicing.

NM_003072.5(SMARCA4):c.882C>T (p.Ala294=)

Gene: SMARCA4 (SWI/SNF related BAF chromatin remodeling complex subunit ATPase 4; plus strand). Cytogenetic location: 19p13.2.
Variant type: single nucleotide variant.
Coding change: c.882C>T on transcript NM_003072.5 (MANE Select); coding-DNA position 882, C replaced by T.
Protein change: p.Ala294=; no amino-acid change (alanine 294 retained).
Molecular consequence: synonymous variant. On other transcripts: non-coding transcript variant (1).
Genome position (GRCh38, 1-based): chr19:10,987,688, C>T. VCF-style: chr19-10987688-C-T. GRCh37 (hg19) VCF-style: chr19-11098364-C-T.
Other names: c.882C>T, p.Ala294= (NM_001128844.3, NM_001128845.2, NM_001128846.2 and 6 more transcripts).
Identifiers: ClinVar variation 5042183 (VCV005042183.1).